The following is an entry in ClinVar:

ClinVar aggregate classification (germline): Conflicting classifications of pathogenicity. Review status: criteria provided, conflicting classifications (1 of 4 stars). 8 submissions from 7 submitters: Uncertain significance (2); Likely benign (3). 3 of the submissions do not count toward it. Last evaluated 2026-02-02.

Conditions:
Epidermodysplasia verruciformis, susceptibility to, 2. Also called: Epidermodysplasia verruciformis 2. Identifiers: MedGen C4722258, MONDO:0032614, OMIM 618231.
TMC8-related disorder. Also called: TMC8-related condition.
Epidermodysplasia verruciformis, susceptibility to, 1. Identifiers: Orphanet 302, MedGen C4722564, MONDO:0100045, OMIM 226400.
Epidermodysplasia verruciformis. Identifiers: Orphanet 302, MedGen C0014522, MONDO:0009176.

Allele frequency attached by ClinVar (database versions not stated): TOPMed 0.00084; ExAC 0.00100; 1000 Genomes Project 30x 0.00031; 1000 Genomes Project 0.00040; ESP Exome Variant Server 0.00054; gnomAD 0.00073 and 0.00082.
gnomAD v4.1: 1,518 of 1,613,930 alleles (0.094%); highest among the groups gnomAD compares: Middle Eastern, 1.8%; 6 homozygotes.

Submissions (8):

Labcorp Genetics (formerly Invitae), Labcorp
Classification: Likely benign for Epidermodysplasia verruciformis. Last evaluated: 2026-02-02. Review status: criteria provided, single submitter. Criteria: Invitae Variant Classification Sherloc (09022015). Collection method: clinical testing. Allele origin: germline.

CeGaT Center for Human Genetics Tuebingen
Classification: Likely benign. Last evaluated: 2026-02-01. Review status: criteria provided, single submitter. Criteria: CeGaT Center For Human Genetics Tuebingen Variant Classification Criteria Version 2. Collection method: clinical testing. Allele origin: germline. Affected: yes. Observed: 2 variant alleles.
Comment: TMC8: BP4

Blueprint Genetics
Classification: Likely benign. Last evaluated: 2024-10-24. Review status: criteria provided, single submitter. Criteria: ACMG Guidelines, 2015. Collection method: clinical testing. Allele origin: germline.

Center for Genomics, Ann and Robert H. Lurie Children's Hospital of Chicago
Classification: Uncertain significance for Epidermodysplasia verruciformis, susceptibility to, 2. Last evaluated: 2021-03-30. Review status: criteria provided, single submitter. Criteria: ACMG Guidelines, 2015. Collection method: clinical testing. Allele origin: germline.
Comment: TMC8 NM_152468.4 exon 10 p.Val390Ile (c.1168G>A): This variant has not been reported in the literature but is present in 0.1% (47/35426) of Latino alleles, including 1 homozygote in the Genome Aggregation Database. This variant is present in ClinVar (Variation ID:456021). Evolutionary conservation and computational predictive tools suggest that this variant may not impact the protein. In summary, data on this variant is insufficient for disease classification. Therefore, the clinical significance of this variant is uncertain.

Center for Genomics, Ann and Robert H. Lurie Children's Hospital of Chicago
Classification: Uncertain significance for Epidermodysplasia verruciformis, susceptibility to, 1. Last evaluated: 2020-04-17. Review status: criteria provided, single submitter. Criteria: ACMG Guidelines, 2015. Collection method: clinical testing. Allele origin: germline.
Comment: the same text as in the submission from Center for Genomics, Ann and Robert H. Lurie Children's Hospital of Chicago above.

PreventionGenetics, part of Exact Sciences
Classification: Likely benign for TMC8-related condition. Last evaluated: 2022-12-01. Review status: no assertion criteria provided. Collection method: clinical testing. Allele origin: germline. Not counted in ClinVar's aggregate classification.
Comment: This variant is classified as likely benign based on ACMG/AMP sequence variant interpretation guidelines (Richards et al. 2015 PMID: 25741868, with internal and published modifications).

Clinical Genetics DNA and cytogenetics Diagnostics Lab, Erasmus MC, Erasmus Medical Center
Classification: Likely benign. Review status: no assertion criteria provided. Collection method: clinical testing. Allele origin: germline. Affected: yes. Study: VKGL Data-share Consensus. Not counted in ClinVar's aggregate classification.

Genome Diagnostics Laboratory, University Medical Center Utrecht
Classification: Likely benign. Review status: no assertion criteria provided. Collection method: clinical testing. Allele origin: germline. Affected: yes. Study: VKGL Data-share Consensus. Not counted in ClinVar's aggregate classification.

NM_152468.5(TMC8):c.1168G>A (p.Val390Ile)

Gene: TMC8 (transmembrane channel like 8; plus strand). Cytogenetic location: 17q25.3.
Variant type: single nucleotide variant.
Coding change: c.1168G>A on transcript NM_152468.5 (MANE Select); coding-DNA position 1168, G replaced by A.
Protein change: p.Val390Ile; replaces valine 390 with isoleucine.
Molecular consequence: missense variant.
Genome position (GRCh38, 1-based): chr17:78,137,275, G>A. VCF-style: chr17-78137275-G-A. GRCh37 (hg19) VCF-style: chr17-76133356-G-A.
Other names: short protein forms V390I.
Identifiers: ClinVar variation 456021 (VCV000456021.25), dbSNP rs150546646, ClinGen allele CA8796745.